The following continues an entry in ClinVar:

NM_000051.4(ATM):c.7886_7890del (p.Ile2629fs)

ClinVar aggregate classification (germline): Pathogenic/Likely pathogenic. Pathogenic (17); Likely pathogenic (2).

Submissions 10 to 24 of 24:

3billion
Classification: Pathogenic for Familial cancer of breast. Last evaluated: 2023-12-11. Review status: criteria provided, single submitter. Criteria: ACMG Guidelines, 2015. Collection method: clinical testing. Allele origin: germline. Affected: yes.
Comment: The variant is observed at an extremely low frequency in the gnomAD v2.1.1 dataset (total allele frequency: <0.001%). Predicted Consequence/Location: Frameshift: predicted to result in a loss or disruption of normal protein function through nonsense-mediated decay (NMD) or protein truncation. Multiple pathogenic variants are reported downstream of the variant. The variant has been reported at least twice as pathogenic for 'Ataxia-telangiectasia (OMIM: 208900)' and as risk allele for breast cancer with clinical assertions and evidence for the classification (ClinVar ID: VCV000230200 /PMID: 8845835). Therefore, this variant is classified as Risk allele according to the recommendation of ACMG/AMP guideline.

GeneDx
Classification: Pathogenic. Last evaluated: 2022-03-23. Review status: criteria provided, single submitter. Criteria: GeneDx Variant Classification Process June 2021. Collection method: clinical testing. Allele origin: germline. Affected: yes.
Comment: Frameshift variant predicted to result in protein truncation or nonsense mediated decay in a gene for which loss of function is a known mechanism of disease; Observed in individuals with a personal or family history consistent with pathogenic variants in this gene referred for genetic testing at GeneDx and in published literature (Goldgar 2011, Hirotsu 2015, Momozawa 2018, Kaneyasu 2020); Not observed at significant frequency in large population cohorts (gnomAD); Also known as c.7883del5, c.7884_7888del5, c.7886_7889del5, and c.7878_7882del; This variant is associated with the following publications: (PMID: 8845835, 21459046, 21787400, 23946315, 9463314, 20346647, 9711876, 26436112, 9443866, 34489640, 29360550, 30287823, 32566746, 34262154, 9600235, 23322442, 12815592)

Women's Health and Genetics/Laboratory Corporation of America, LabCorp
Classification: Pathogenic for Ataxia-telangiectasia syndrome. Last evaluated: 2022-02-04. Review status: criteria provided, single submitter. Criteria: LabCorp Variant Classification Summary - May 2015. Collection method: clinical testing. Allele origin: germline.
Comment: Variant summary: ATM c.7886_7890delTATTA (p.Ile2629SerfsX25) results in a premature termination codon, predicted to cause a truncation of the encoded protein or absence of the protein due to nonsense mediated decay, which are commonly known mechanisms for disease. Truncations downstream of this position have been classified as pathogenic by our laboratory. The variant allele was found at a frequency of 4e-06 in 250834 control chromosomes (gnomAD). This variant has been reported in several A-T patients/families across multiple countries in homozygous state as well as in compound heterozygous state with other pathogenic/likely pathogenic variants (Gilad_1996, Telatar_1996, Sasaki_1998, Stankovic_1998, Exley_2011, Mitui_2003, Jeddane_2013, Charlesworth_2013). Cosegregation of this variant with disease have also been reported from a family (Charlesworth_2013). It has also been found in a breast cancer patient (Hirotsu_2015), which is consistent with the fact that pathogenic variants in ATM gene are known to confer elevated risk of breast cancer in a heterozygous state. In a compound heterozygous patient that carried this variant and 3802delG, no ATM kinase activity and ATM protein expression was observed in lymphoblastoid cell line derived from the patient, strongly supporting its predicted outcome (Exley_2011). These data indicate that the variant is likely to be associated with disease. Eleven ClinVar submitters (evaluation after 2014) cite the variant as likely pathogenic (n=1) and pathogenic (n=10). Based on the evidence outlined above, the variant was classified as pathogenic.

Victorian Clinical Genetics Services, Murdoch Childrens Research Institute
Classification: Pathogenic for Ataxia-telangiectasia syndrome. Last evaluated: 2022-02-02. Review status: criteria provided, single submitter. Criteria: ACMG Guidelines, 2015. Collection method: clinical testing. Allele origin: germline. Inheritance: Autosomal recessive inheritance.
Comment: Based on the classification scheme VCGS_Germline_v1.3.4, this variant is classified as Pathogenic. Following criteria are met: 0102 - Loss of function is a known mechanism of disease in this gene and is associated with ataxia-telangiectasia (MIM#208900). (I) 0106 - This gene is associated with autosomal recessive disease. Carriers of ATM pathogenic variants are at increased risk of developing cancer (mainly breast cancer) (GeneReviews). (I) 0115 - Variants in this gene are known to have variable expressivity. Variable age of onset and rate of disease progression have been reported for affected individuals within the same family (PMIDs: 20301790, 27884168). (I) 0201 - Variant is predicted to cause nonsense-mediated decay (NMD) and loss of protein (premature termination codon is located at least 54 nucleotides upstream of the final exon-exon junction). (SP) 0251 - This variant is heterozygous. (I) 0304 - Variant is present in gnomAD <0.01 for a recessive condition (v2: 1 heterozygote, 0 homozygotes). (SP) 0701 - Other NMD predicted variants comparable to the one identified in this case have very strong previous evidence for pathogenicity (ClinVar, DECIPHER). (SP) 0801 - This variant has strong previous evidence of pathogenicity in unrelated individuals. It has been reported in multiple homozygotes and compound heterozygotes individuals with ataxia-telangiectasia, and in association with cancer (ClinVar). (I) Legend: (SP) - Supporting pathogenic, (I) - Information, (SB) - Supporting benign

CeGaT Center for Human Genetics Tuebingen
Classification: Pathogenic. Last evaluated: 2021-12-01. Review status: criteria provided, single submitter. Criteria: CeGaT Center For Human Genetics Tuebingen Variant Classification Criteria Version 2. Collection method: clinical testing. Allele origin: germline. Affected: yes. Observed: 1 variant allele.

Sema4
Classification: Pathogenic for Hereditary cancer-predisposing syndrome. Last evaluated: 2021-06-25. Review status: criteria provided, single submitter. Criteria: Sema4 Curation Guidelines. Collection method: curation. Allele origin: germline.
Comment: The ATM c.7886_7890delTATTA (p.I2629SfsX25) variant has been reported as homozygous and compound heterozygous in multiple individuals with ataxia telangiectasia, dystonia, breast cancer, and other cancers (PMID: 8845835, 21787400, 23946315, 9711876, 26436112, among others). This variant was identified in one family, where it was found to segregate with the phenotype across four individuals (PMID: 23946315). It is also known as 7883del5 and c.7878_7882delTTATA in the literature. This variant causes a frameshift at amino acid 2629 that results in premature termination 25 amino acids downstream. At this location, it is predicted to cause nonsense-mediated decay and result in an absent protein (loss of function). Loss of function variants in ATM are known to be pathogenic (PMID: 31050087). This variant was observed in 1/113432 chromosomes in the European (non-Finnish) population according to the Genome Aggregation Database (PMID: 32461654) and has been reported in ClinVar (Variation ID: 230200). Based on the current evidence available, this variant is interpreted as pathogenic.

Blueprint Genetics
Classification: Pathogenic for ATM-related disorders. Last evaluated: 2021-04-22. Review status: criteria provided, single submitter. Criteria: ACMG Guidelines, 2015. Collection method: clinical testing. Allele origin: germline. Affected: yes. Observed: 1 variant allele.

Cancer Genomics Group, Japanese Foundation For Cancer Research
Classification: Likely pathogenic for Hereditary breast and ovarian cancer syndrome. Last evaluated: 2019-05-01. Review status: criteria provided, single submitter. Criteria: ACMG Guidelines, 2015. Collection method: research. Allele origin: germline. Affected: yes.

Mendelics
Classification: Pathogenic for Ataxia-telangiectasia syndrome. Last evaluated: 2018-07-02. Review status: criteria provided, single submitter. Criteria: Mendelics Assertion Criteria 2017. Collection method: clinical testing. Allele origin: unknown.

Juno Genomics, Hangzhou Juno Genomics, Inc
Classification: Pathogenic for Familial cancer of breast; Ataxia-telangiectasia syndrome. Review status: criteria provided, single submitter. Criteria: ACMG Guidelines, 2015. Collection method: clinical testing. Allele origin: germline.
Comment: Absent from controls (or at extremely low frequency if recessive) in Genome Aggregation Database.;Null variant in a gene where loss of function (LOF) is a known mechanism of disease.;For recessive disorders, detected in trans with a pathogenic variant.

Laboratory for Genotyping Development, RIKEN
Classification: Pathogenic for Gastric cancer. Last evaluated: 2021-07-01. Review status: no assertion criteria provided. Collection method: research. Allele origin: germline. Not counted in ClinVar's aggregate classification.

Division of Genomic Medicine, Department of Advanced Medicine, Medical Research Institute, Kanazawa Medical University
Classification: Pathogenic for Ataxia-telangiectasia syndrome. Last evaluated: 2020-06-19. Review status: no assertion criteria provided. Collection method: clinical testing. Allele origin: germline. Affected: yes. Observed: 1 variant allele. Not counted in ClinVar's aggregate classification.

Counsyl
Classification: Pathogenic for Ataxia-telangiectasia syndrome. Last evaluated: 2016-10-19. Review status: no assertion criteria provided. Collection method: clinical testing. Allele origin: unknown. Not counted in ClinVar's aggregate classification.

OMIM
Classification: Pathogenic for ATAXIA-TELANGIECTASIA. Last evaluated: 1998-04-01. Review status: no assertion criteria provided. Collection method: literature only. Allele origin: germline. Not counted in ClinVar's aggregate classification.

GeneReviews
No classification provided. Condition: Ataxia-telangiectasia syndrome. Review status: no classification provided. Collection method: literature only. Allele origin: germline. Affected: yes. Not counted in ClinVar's aggregate classification.

Literature cited by the submitters: PubMed 23807571 (cited by Labcorp Genetics (formerly Invitae), Labcorp); PubMed 25614872 (cited by Labcorp Genetics (formerly Invitae), Labcorp); PubMed 8845835 (cited by 7 submitters); PubMed 9600235 (cited by 6 submitters); PubMed 12815592 (cited by 5 submitters); PubMed 21787400 (cited by 4 submitters); PubMed 23322442 (cited by 6 submitters); PubMed 23946315 (cited by 8 submitters); PubMed 26436112 (cited by 5 submitters); PubMed 15039971 (cited by Hema, HEMA – Genetic and Molecular Diagnostic Laboratory); PubMed 9443866 (cited by Hema, HEMA – Genetic and Molecular Diagnostic Laboratory and Women's Health and Genetics/Laboratory Corporation of America, LabCorp); PubMed 21459046 (cited by 3 submitters); PubMed 9711876 (cited by 3 submitters); PubMed 3574400 (cited by Dasa); PubMed 27595995 (cited by Dasa); PubMed 15928302 (cited by Dasa); PubMed 29360550 (cited by Ambry Genetics); PubMed 30287823 (cited by Ambry Genetics and Color Diagnostics, LLC DBA Color Health); PubMed 34506673 (cited by Ambry Genetics and Color Diagnostics, LLC DBA Color Health); PubMed 33471991 (cited by Color Diagnostics, LLC DBA Color Health); PubMed 9463314 (cited by Women's Health and Genetics/Laboratory Corporation of America, LabCorp); PubMed 26489445 (cited by Women's Health and Genetics/Laboratory Corporation of America, LabCorp); PubMed 34262154 (cited by Women's Health and Genetics/Laboratory Corporation of America, LabCorp); PubMed 20301790 (cited by Victorian Clinical Genetics Services, Murdoch Childrens Research Institute); PubMed 27884168 (cited by Victorian Clinical Genetics Services, Murdoch Childrens Research Institute); PubMed 31050087 (cited by Sema4); PubMed 36988593 (cited by Laboratory for Genotyping Development, RIKEN); NCBI Bookshelf NBK26468 (cited by GeneReviews).